The following is an entry in ClinVar:

NM_001368894.2(PAX6):c.1032G>A (p.Pro344=)

Gene: PAX6 (paired box 6; minus strand). Cytogenetic location: 11p13.
Variant type: single nucleotide variant.
Coding change: c.1032G>A on transcript NM_001368894.2 (MANE Select); coding-DNA position 1032, G replaced by A.
Protein change: p.Pro344=; no amino-acid change (proline 344 retained).
Molecular consequence: synonymous variant. On other transcripts: non-coding transcript variant (2).
Genome position (GRCh38, 1-based): chr11:31,793,480, C>T on the plus strand (G>A on the coding strand, the complement: PAX6 is on the minus strand). VCF-style: chr11-31793480-C-T. GRCh37 (hg19) VCF-style: chr11-31815028-C-T.
Other names: c.387G>A, p.Pro129= (NM_001368930.2); c.1032G>A, p.Pro344= (NM_001604.6, NM_001258462.3, NM_001258463.2 and 6 more transcripts); c.789G>A, p.Pro263= (NM_001368928.2); c.582G>A, p.Pro194= (NM_001368929.2, NM_001310160.2, NM_001310161.3 and 11 more transcripts); c.990G>A, p.Pro330= (NM_000280.6, NM_001127612.3, NM_001258464.2 and 10 more transcripts); c.1233G>A, p.Pro411= (NM_001368910.2); c.1035G>A, p.Pro345= (NM_001368911.2); c.1107G>A, p.Pro369= (NM_001368918.2, NM_001368919.2); and 3 more.
Identifiers: ClinVar variation 167416 (VCV000167416.16), dbSNP rs146261351, ClinGen allele CA234479.
Genomic context (GRCh38, chr11:31,793,480, plus strand): 5'-ACCACCAGCCGCACTTACTTGCATAGGCAGGTTATTTGCCATGGTGAAGCTGGGCATAGG[C>T]GGCAGAGCGCTGTAGGTGTTTGTGAGGGCTGTGTCTGTTCGGCCCAACATGGAGCCAGAT-3'
Protein context (NP_001355823.1, residues 334-354): TALTNTYSAL[Pro344=]PMPSFTMANN

ClinVar aggregate classification (germline): Conflicting classifications of pathogenicity. Review status: criteria provided, conflicting classifications (1 of 4 stars). 5 submissions from 5 submitters: Uncertain significance (1); Benign (1); Likely benign (2). 1 of the submissions does not count toward it. Last evaluated 2025-10-01.

Conditions:
PAX6-related disorder. Also called: PAX6-related disorders; PAX6-related condition.
Irido-corneo-trabecular dysgenesis (ASGD5). Also called: ANTERIOR SEGMENT DYSGENESIS 5. Identifiers: Orphanet 708, MedGen C0344559, MONDO:0011414, OMIM 604229, HP:0000659.
Aniridia 1 (AN1). Identifiers: Orphanet 250923, MedGen C0344542, MONDO:0024507, OMIM 106210.

Allele frequency attached by ClinVar (database versions not stated): gnomAD exomes 0.00006 and 0.00012; ExAC 0.00012; 1000 Genomes Project 0.00020; 1000 Genomes Project 30x 0.00031; TOPMed 0.00041; gnomAD 0.00046 and 0.00048; ESP Exome Variant Server 0.00062.
gnomAD v4.1: 165 of 1,614,218 alleles (0.01%); highest among the groups gnomAD compares: African/African-American, 0.14%; no homozygotes.

Submissions (5):

Labcorp Genetics (formerly Invitae), Labcorp
Classification: Benign for Aniridia 1; Irido-corneo-trabecular dysgenesis. Last evaluated: 2025-10-01. Review status: criteria provided, single submitter. Criteria: Invitae Variant Classification Sherloc (09022015). Collection method: clinical testing. Allele origin: germline.

Blueprint Genetics
Classification: Likely benign. Last evaluated: 2023-08-24. Review status: criteria provided, single submitter. Criteria: ACMG Guidelines, 2015. Collection method: clinical testing. Allele origin: germline.

GeneDx
Classification: Likely benign. Last evaluated: 2017-02-09. Review status: criteria provided, single submitter. Criteria: GeneDx Variant Classification (06012015). Collection method: clinical testing. Allele origin: germline. Affected: yes.
Comment: This variant is considered likely benign or benign based on one or more of the following criteria: it is a conservative change, it occurs at a poorly conserved position in the protein, it is predicted to be benign by multiple in silico algorithms, and/or has population frequency not consistent with disease.

Eurofins Ntd Llc (ga)
Classification: Uncertain significance. Last evaluated: 2014-02-27. Review status: criteria provided, single submitter. Criteria: EGL Classification Definitions 2015. Collection method: clinical testing. Allele origin: germline. Observed: 1 variant allele, 1 heterozygote.

PreventionGenetics, part of Exact Sciences
Classification: Likely benign for PAX6-related condition. Last evaluated: 2019-06-18. Review status: no assertion criteria provided. Collection method: clinical testing. Allele origin: germline. Not counted in ClinVar's aggregate classification.
Comment: This variant is classified as likely benign based on ACMG/AMP sequence variant interpretation guidelines (Richards et al. 2015 PMID: 25741868, with internal and published modifications).